The following is an entry in ClinVar:

ClinVar aggregate classification (germline): Pathogenic (1 of 4 stars; one submission).

Conditions:
Chédiak-Higashi syndrome (CHS). Also called: Chediak-Higashi Syndrome. Identifiers: Orphanet 167, MedGen C0007965, MONDO:0008963, OMIM 214500.

Submission:

Labcorp Genetics (formerly Invitae), Labcorp
Classification: Pathogenic for Chédiak-Higashi syndrome. Last evaluated: 2025-05-22. Review status: criteria provided, single submitter. Criteria: Invitae Variant Classification Sherloc (09022015). Collection method: clinical testing. Allele origin: germline.
Comment: This sequence change creates a premature translational stop signal (p.Val24Glyfs*40) in the LYST gene. It is expected to result in an absent or disrupted protein product. Loss-of-function variants in LYST are known to be pathogenic (PMID: 9215679, 11857544). This variant is not present in population databases (gnomAD no frequency). This variant has not been reported in the literature in individuals affected with LYST-related conditions. For these reasons, this variant has been classified as Pathogenic.

Literature cited by the submitters: PubMed 9215679; PubMed 11857544.

NM_000081.4(LYST):c.70dup (p.Val24fs)

Gene: LYST (lysosomal trafficking regulator; minus strand). Cytogenetic location: 1q42.3.
Variant type: Duplication.
Coding change: c.70dup on transcript NM_000081.4 (MANE Select); coding-DNA position 70, one base duplicated (G; older notation c.70dupG).
Protein change: p.Val24fs; shifts the reading frame from valine 24.
Molecular consequence: frameshift variant. On other transcripts: non-coding transcript variant (1).
Genome position (GRCh38, 1-based): chr1:235,830,348, C duplicated on the plus strand (G on the coding strand, the reverse complement: LYST is on the minus strand); the first of 2 consecutive C bases (chr1:235,830,348-235,830,349); duplicating either gives the same sequence. VCF-style (leftmost placement, unchanged base first): chr1-235830347-A-AC. GRCh37 (hg19) VCF-style: chr1-235993647-A-AC.
Other names: c.70dup, p.Val24fs (NM_001301365.1); short protein forms V24fs.
Identifiers: ClinVar variation 4720062 (VCV004720062.1).